The following is an entry in ClinVar:

ClinVar aggregate classification (germline): Uncertain significance (1 of 4 stars; one submission).

Submission:

Labcorp Genetics (formerly Invitae), Labcorp
Classification: Uncertain significance. Last evaluated: 2021-03-12. Review status: criteria provided, single submitter. Criteria: Invitae Variant Classification Sherloc (09022015). Collection method: clinical testing. Allele origin: germline.
Comment: This sequence change affects codon 794 of the ABCA4 mRNA. It is a 'silent' change, meaning that it does not change the encoded amino acid sequence of the ABCA4 protein. This variant also falls at the last nucleotide of exon 15, which is part of the consensus splice site for this exon. This variant is not present in population databases (ExAC no frequency). This variant has not been reported in the literature in individuals with ABCA4-related conditions. Nucleotide substitutions within the consensus splice site are a relatively common cause of aberrant splicing (PMID: 17576681, 9536098). Algorithms developed to predict the effect of sequence changes on RNA splicing suggest that this variant may disrupt the consensus splice site, but this prediction has not been confirmed by published transcriptional studies. In summary, the available evidence is currently insufficient to determine the role of this variant in disease. Therefore, it has been classified as a Variant of Uncertain Significance.

Literature cited by the submitters: PubMed 17576681; PubMed 9536098.

NM_000350.3(ABCA4):c.2382G>T (p.Val794=)

Gene: ABCA4 (ATP binding cassette subfamily A member 4; minus strand). Cytogenetic location: 1p22.1.
Variant type: single nucleotide variant.
Coding change: c.2382G>T on transcript NM_000350.3 (MANE Select); coding-DNA position 2382, G replaced by T.
Protein change: p.Val794=; no amino-acid change (valine 794 retained).
Molecular consequence: synonymous variant.
Genome position (GRCh38, 1-based): chr1:94,056,601, C>A on the plus strand (G>T on the coding strand, the complement: ABCA4 is on the minus strand). VCF-style: chr1-94056601-C-A. GRCh37 (hg19) VCF-style: chr1-94522157-C-A.
Identifiers: ClinVar variation 1516156 (VCV001516156.6), dbSNP rs2101069554, ClinGen allele CA418817827.